The following is an entry in ClinVar:

NM_000264.5(PTCH1):c.271G>C (p.Gly91Arg)

Gene: PTCH1 (patched 1; minus strand). Cytogenetic location: 9q22.32.
Variant type: single nucleotide variant.
Coding change: c.271G>C on transcript NM_000264.5 (MANE Select); coding-DNA position 271, G replaced by C.
Protein change: p.Gly91Arg; replaces glycine 91 with arginine.
Molecular consequence: missense variant. On other transcripts: 5 prime UTR variant (4), non-coding transcript variant (1).
Genome position (GRCh38, 1-based): chr9:95,506,530, C>G on the plus strand (G>C on the coding strand, the complement: PTCH1 is on the minus strand). VCF-style: chr9-95506530-C-G. GRCh37 (hg19) VCF-style: chr9-98268812-C-G.
Other names: c.73G>C, p.Gly25Arg (NM_001083602.3, NM_001354919.2); c.268G>C, p.Gly90Arg (NM_001083603.3); c.-183G>C (NM_001083604.3, NM_001083605.3, NM_001083606.3 and 1 more transcripts); c.271G>C, p.Gly91Arg (NM_001354918.2); short protein forms G25R, G91R, G90R.
Identifiers: ClinVar variation 1795177 (VCV001795177.4), dbSNP rs2118879154, ClinGen allele CA374120425.
Genomic context (GRCh38, chr9:95,506,530, plus strand): 5'-CCCCAAATATGAGGAGGCCCACAACCAAGAACTTGCCGCAGTTTTTTTGAATGTAACAAC[C>G]CAGTTTAAATAAGAGTCTCTGAAACTTCGCTCTCAGCCACAGCGGCGCTTTCCGGCCAGT-3'
Protein context (NP_000255.2, residues 81-101): AKFQRLLFKL[Gly91Arg]CYIQKNCGKF

ClinVar aggregate classification (germline): Likely pathogenic (1 of 4 stars; one submission).

Conditions:
Hereditary cancer-predisposing syndrome. Also called: Tumor predisposition; Hereditary Cancer Syndrome; Hereditary neoplastic syndrome; Neoplastic Syndromes, Hereditary. Identifiers: Orphanet 140162, MedGen C0027672, MeSH D009386, MONDO:0015356.

Submission:

Ambry Genetics
Classification: Likely pathogenic for Hereditary cancer-predisposing syndrome. Last evaluated: 2026-02-26. Review status: criteria provided, single submitter. Criteria: Ambry Variant Classification Scheme 2023. Collection method: clinical testing. Allele origin: germline.
Comment: The p.G91R variant (also known as c.271G>C), located in coding exon 2 of the PTCH1 gene, results from a G to C substitution at nucleotide position 271. The glycine at codon 91 is replaced by arginine, an amino acid with dissimilar properties. This variant was reported in individual(s) with features consistent with PTCH1-related nevoid basal cell carcinoma syndrome (Ambry internal data). This variant is considered to be rare based on population cohorts in the Genome Aggregation Database (gnomAD). This amino acid position is highly conserved in available vertebrate species. In addition, this alteration is predicted to be deleterious by in silico analysis. Based on the majority of available evidence to date, this variant is likely to be pathogenic.